The following is an entry in ClinVar:

ClinVar aggregate classification (germline): Uncertain significance (1 of 4 stars; one submission).

Conditions:
Brugada syndrome 4 (BRGDA4). Identifiers: Orphanet 130, MedGen C2678477, MONDO:0012743, OMIM 611876.

Allele frequency attached by ClinVar (database versions not stated): gnomAD exomes below 0.00001; TOPMed 0.00004.
gnomAD v4.1: 2 of 1,614,130 alleles (0.00012%); highest among the groups gnomAD compares: Non-Finnish European, 0.00017%; no homozygotes.

Submission:

Labcorp Genetics (formerly Invitae), Labcorp
Classification: Uncertain significance for Brugada syndrome 4. Last evaluated: 2022-10-08. Review status: criteria provided, single submitter. Criteria: Invitae Variant Classification Sherloc (09022015). Collection method: clinical testing. Allele origin: germline.
Comment: In summary, the available evidence is currently insufficient to determine the role of this variant in disease. Therefore, it has been classified as a Variant of Uncertain Significance. Algorithms developed to predict the effect of missense changes on protein structure and function are either unavailable or do not agree on the potential impact of this missense change (SIFT: "Tolerated"; PolyPhen-2: "Possibly Damaging"; Align-GVGD: "Class C0"). This variant has not been reported in the literature in individuals affected with CACNB2-related conditions. This variant is not present in population databases (gnomAD no frequency). This sequence change replaces proline, which is neutral and non-polar, with leucine, which is neutral and non-polar, at codon 9 of the CACNB2 protein (p.Pro9Leu).

NM_201590.3(CACNB2):c.26C>T (p.Pro9Leu)

Gene: CACNB2 (calcium voltage-gated channel auxiliary subunit beta 2; plus strand). Cytogenetic location: 10p12.32.
Variant type: single nucleotide variant.
Coding change: c.26C>T on transcript NM_201590.3 (MANE Plus Clinical); coding-DNA position 26, C replaced by T.
Protein change: p.Pro9Leu; replaces proline 9 with leucine.
Molecular consequence: missense variant. On other transcripts: intron variant (8).
Genome position (GRCh38, 1-based): chr10:18,340,952, C>T. VCF-style: chr10-18340952-C-T. GRCh37 (hg19) VCF-style: chr10-18629881-C-T.
Other names: c.130-60972C>T (NM_201571.4, NM_001167945.2, NM_201572.4); c.214-60972C>T (NM_201596.3, NM_201593.3, NM_201597.3); c.49-60972C>T (NM_000724.4, NM_001330060.2); short protein forms P9L.
Identifiers: ClinVar variation 2199783 (VCV002199783.4), dbSNP rs1409641626, ClinGen allele CA376219152.